The following is an entry in ClinVar:

ClinVar aggregate classification (germline): Uncertain significance. Review status: criteria provided, multiple submitters, no conflicts (2 of 4 stars). 2 submissions from 2 submitters: Uncertain significance (2). Last evaluated 2025-04-27.

Conditions:
Cardiovascular phenotype. Identifiers: MedGen CN230736.

gnomAD v4.1: 4 of 1,531,578 alleles (0.00026%); highest among the groups gnomAD compares: Non-Finnish European, 0.00035%; no homozygotes.

Submissions (2):

GeneDx
Classification: Uncertain significance. Last evaluated: 2025-04-27. Review status: criteria provided, single submitter. Criteria: GeneDx Variant Classification Process June 2021. Collection method: clinical testing. Allele origin: germline. Affected: yes.
Comment: Not observed at significant frequency in large population cohorts (gnomAD); In silico analysis supports a deleterious effect on splicing; Has not been previously published as pathogenic or benign to our knowledge; Reported using an alternate transcript of the gene

Molecular Diagnostic Laboratory for Inherited Cardiovascular Disease, Montreal Heart Institute
Classification: Uncertain significance for Cardiovascular phenotype. Last evaluated: 2025-04-09. Review status: criteria provided, single submitter. Criteria: ACMG Guidelines, 2015. Collection method: clinical testing. Allele origin: germline. Affected: yes.

NM_001018005.2(TPM1):c.240+4443T>G

Genes: TPM1 (tropomyosin 1; plus strand), TPM1-AS (TPM1 antisense RNA; minus strand), LOC130057222 (ATAC-STARR-seq lymphoblastoid silent region 6507; plus strand). Cytogenetic location: 15q22.2.
Variant type: single nucleotide variant.
Coding change: c.240+4443T>G on transcript NM_001018005.2 (MANE Select); 4443 bases into the intron after coding-DNA position 240, T replaced by G.
Molecular consequence: intron variant. On other transcripts: non-coding transcript variant (5), missense variant (12).
Genome position (GRCh38, 1-based): chr15:63,048,595, T>G. VCF-style: chr15-63048595-T-G. GRCh37 (hg19) VCF-style: chr15-63340794-T-G.
Other names: c.20T>G, p.Leu7Arg (NM_001018008.2, NM_001301289.2, NM_001330344.2 and 9 more transcripts); c.366+4443T>G (NM_001365778.1, NM_001407323.1, NM_001407322.1 and 1 more transcripts); c.240+4764T>G (NM_001407336.1, NM_001018020.2, NM_001407338.1 and 7 more transcripts); c.240+4443T>G (NM_001407326.1, NM_001407337.1, NM_001018006.2 and 10 more transcripts); short protein forms L7R.
Identifiers: ClinVar variation 3894593 (VCV003894593.2), dbSNP rs1266217621.